The following is an entry in ClinVar:

NM_000402.4(G6PD):c.1192G>A (p.Glu398Lys)

Gene: G6PD (glucose-6-phosphate dehydrogenase; minus strand). Cytogenetic location: Xq28.
Variant type: single nucleotide variant.
Coding change: c.1192G>A on transcript NM_000402.4; coding-DNA position 1192, G replaced by A.
Protein change: p.Glu398Lys; replaces glutamic acid 398 with lysine.
Molecular consequence: missense variant.
Genome position (GRCh38, 1-based): chrX:154,532,752, C>T on the plus strand (G>A on the coding strand, the complement: G6PD is on the minus strand). VCF-style: chrX-154532752-C-T. GRCh37 (hg19) VCF-style: chrX-153760967-C-T.
Other names: G6PD, GLU398LYS; p.Glu368Lys; c.1102G>A, p.Glu368Lys (NM_001042351.3, NM_001360016.2); c.1102G>A (NM_001042351.2); short protein forms E398K, E368K.
Identifiers: ClinVar variation 10381 (VCV000010381.10), dbSNP rs387906468, ClinGen allele CA120981.
Genomic context (GRCh38, chrX:154,532,752, plus strand): 5'-TGCGCTTGCACTGCTGGTGGAAGATGTCGCCGGCCACATCATGGAACTGCAGCCTCACCT[C>T]GGCCTTGCGCTCGTTCAGGGCCTTGCCGCAGCGCAGGATGAAGGGCACCCCTACGTGGCG-3'

ClinVar aggregate classification (germline): Pathogenic/Likely pathogenic. Review status: criteria provided, multiple submitters, no conflicts (2 of 4 stars). 4 submissions from 3 submitters: Pathogenic (1); Likely pathogenic (1). 2 of the submissions do not count toward it. Last evaluated 2023-02-24.

Conditions:
Anemia, nonspherocytic hemolytic, due to G6PD deficiency (CNSHA1). Also called: Class I glucose-6-phosphate dehydrogenase deficiency; Favism, susceptibility to; ANEMIA, CONGENITAL, NONSPHEROCYTIC HEMOLYTIC, 1; Hemolytic anemia due to G6PD deficiency. Identifiers: Orphanet 466026, MedGen C2720289, MONDO:0010480, OMIM 300908.
G6PD PUERTO LIMON.

Submissions (4):

Mayo Clinic Laboratories, Mayo Clinic
Classification: Likely pathogenic. Last evaluated: 2023-02-24. Review status: criteria provided, single submitter. Criteria: ACMG Guidelines, 2015. Collection method: clinical testing. Allele origin: germline. Observed: 1 variant allele.
Comment: PP3, PP4, PP5, PM1, PM2, PS4_moderate

Labcorp Genetics (formerly Invitae), Labcorp
Classification: Pathogenic for Anemia, nonspherocytic hemolytic, due to G6PD deficiency. Last evaluated: 2021-09-15. Review status: criteria provided, single submitter. Criteria: Invitae Variant Classification Sherloc (09022015). Collection method: clinical testing. Allele origin: germline.
Comment: This sequence change replaces glutamic acid with lysine at codon 368 of the G6PD protein (p.Glu368Lys). The glutamic acid residue is highly conserved and there is a small physicochemical difference between glutamic acid and lysine. This variant is not present in population databases (ExAC no frequency). This missense change has been observed in individual(s) with G6PD deficiency (PMID: 7160841, 10571945, 32680472; Invitae). This variant is also known as the Puerto Limón variant or p.Glu398Lys. ClinVar contains an entry for this variant (Variation ID: 10381). Advanced modeling of protein sequence and biophysical properties (such as structural, functional, and spatial information, amino acid conservation, physicochemical variation, residue mobility, and thermodynamic stability) performed at Invitae indicates that this missense variant is expected to disrupt G6PD protein function. For these reasons, this variant has been classified as Pathogenic.

OMIM
Classification: other for G6PD PUERTO LIMON. Last evaluated: 1990-12-01. Review status: no assertion criteria provided. Collection method: literature only. Allele origin: germline. Not counted in ClinVar's aggregate classification.

OMIM
Classification: Pathogenic for ANEMIA, CONGENITAL, NONSPHEROCYTIC HEMOLYTIC, 1. Last evaluated: 1990-12-01. Review status: no assertion criteria provided. Collection method: literature only. Allele origin: germline. Not counted in ClinVar's aggregate classification.

Literature cited by the submitters: PubMed 7160841 (cited by Labcorp Genetics (formerly Invitae), Labcorp and OMIM); PubMed 10571945 (cited by Labcorp Genetics (formerly Invitae), Labcorp); PubMed 32680472 (cited by Labcorp Genetics (formerly Invitae), Labcorp); PubMed 1978554 (cited by OMIM).